The following is an entry in ClinVar:

NM_178839.5(LRRTM1):c.501T>C (p.His167=)

Genes: CTNNA2 (catenin alpha 2; plus strand), LRRTM1 (leucine rich repeat transmembrane neuronal 1; minus strand). Cytogenetic location: 2p12.
Variant type: single nucleotide variant.
Coding change: c.501T>C on transcript NM_178839.5 (MANE Select); coding-DNA position 501, T replaced by C.
Protein change: p.His167=; no amino-acid change (histidine 167 retained).
Molecular consequence: synonymous variant. On other transcripts: intron variant (5).
Genome position (GRCh38, 1-based): chr2:80,303,319, A>G on the plus strand (T>C on the coding strand, the complement: LRRTM1 is on the minus strand). VCF-style: chr2-80303319-A-G. GRCh37 (hg19) VCF-style: chr2-80530444-A-G.
Other names: c.1057-89892A>G (NM_001399737.1, NM_001282597.3, NM_004389.4 and 1 more transcripts); c.1159-89892A>G (NM_001282598.2).
Identifiers: ClinVar variation 4083840 (VCV004083840.8).

ClinVar aggregate classification (germline): Likely benign (1 of 4 stars; one submission).

gnomAD v4.1: 1,613 of 1,613,836 alleles (0.1%); highest among the groups gnomAD compares: Non-Finnish European, 0.13%; 1 homozygote.

Submission:

CeGaT Center for Human Genetics Tuebingen
Classification: Likely benign. Last evaluated: 2025-08-01. Review status: criteria provided, single submitter. Criteria: CeGaT Center For Human Genetics Tuebingen Variant Classification Criteria Version 2. Collection method: clinical testing. Allele origin: germline. Affected: yes. Observed: 1 variant allele.
Comment: LRRTM1: BP4, BP7